The following is an entry in ClinVar:

NM_138576.4(BCL11B):c.1112C>T (p.Ala371Val)

Gene: BCL11B (BCL11 transcription factor B; minus strand). Cytogenetic location: 14q32.2.
Variant type: single nucleotide variant.
Coding change: c.1112C>T on transcript NM_138576.4 (MANE Select); coding-DNA position 1112, C replaced by T.
Protein change: p.Ala371Val; replaces alanine 371 with valine.
Molecular consequence: missense variant.
Genome position (GRCh38, 1-based): chr14:99,175,724, G>A on the plus strand (C>T on the coding strand, the complement: BCL11B is on the minus strand). VCF-style: chr14-99175724-G-A. GRCh37 (hg19) VCF-style: chr14-99642061-G-A.
Other names: c.1109C>T, p.Ala370Val (NM_001282237.2); c.896C>T, p.Ala299Val (NM_001282238.2); c.899C>T, p.Ala300Val (NM_022898.3); short protein forms A300V, A299V, A371V, A370V.
Identifiers: ClinVar variation 1968751 (VCV001968751.5), dbSNP rs1461212058, ClinGen allele CA390936081.
Genomic context (GRCh38, chr14:99,175,724, plus strand): 5'-AGCCGGTGCATAGGGTTGCCGCGGCCCGGGGACACGGGCGGCGGCGTGGAGCTGTTGCCC[G>A]CCAGCTCGCGGAGCCGCCGCGAGAAGTCCATGGCGGGCGAGTCGATGGCCATGGGGTTCA-3'
Protein context (NP_612808.1, residues 361-381): MDFSRRLREL[Ala371Val]GNSSTPPPVS

ClinVar aggregate classification (germline): Uncertain significance (1 of 4 stars; one submission).

Allele frequency attached by ClinVar (database versions not stated): gnomAD 0.00001; TOPMed 0.00002.
gnomAD v4.1: 3 of 1,484,734 alleles (0.0002%); highest among the groups gnomAD compares: African/African-American, 0.0015%; no homozygotes.

Submission:

Labcorp Genetics (formerly Invitae), Labcorp
Classification: Uncertain significance. Last evaluated: 2022-01-07. Review status: criteria provided, single submitter. Criteria: Invitae Variant Classification Sherloc (09022015). Collection method: clinical testing. Allele origin: germline.
Comment: Algorithms developed to predict the effect of sequence changes on RNA splicing suggest that this variant may create or strengthen a splice site. In summary, the available evidence is currently insufficient to determine the role of this variant in disease. Therefore, it has been classified as a Variant of Uncertain Significance. Algorithms developed to predict the effect of missense changes on protein structure and function are either unavailable or do not agree on the potential impact of this missense change (SIFT: "Deleterious"; PolyPhen-2: "Probably Damaging"; Align-GVGD: "Class C0"). This variant has not been reported in the literature in individuals affected with BCL11B-related conditions. This sequence change replaces alanine, which is neutral and non-polar, with valine, which is neutral and non-polar, at codon 371 of the BCL11B protein (p.Ala371Val). This variant is not present in population databases (gnomAD no frequency).